The following continues an entry in ClinVar:

NM_000260.4(MYO7A):c.3476G>T (p.Gly1159Val)

Gene: MYO7A. ClinVar aggregate classification (germline): Pathogenic/Likely pathogenic. Pathogenic (12); Likely pathogenic (4).

Submissions 11 to 20 of 20:

Victorian Clinical Genetics Services, Murdoch Childrens Research Institute
Classification: Pathogenic for Autosomal recessive nonsyndromic hearing loss 2. Last evaluated: 2023-07-17. Review status: criteria provided, single submitter. Criteria: ACMG Guidelines, 2015. Collection method: clinical testing. Allele origin: germline. Inheritance: Autosomal recessive inheritance. Affected: yes.
Comment: Based on the classification scheme VCGS_Germline_v1.3.4, this variant is classified as Pathogenic. Following criteria are met: 0102 - Loss of function is a known mechanism of disease in this gene and is associated with deafness autosomal dominant 11 (MIM#601317), deafness autosomal recessive 2 (MIM#600060) and Usher syndrome, type 1B (MIM#276900). In addition, dominant negative is the suggested mechanism for missense variants in autosomal dominant inheritance (OMIM, PMID: 23383098). (I) 0108 - This gene is associated with both recessive and dominant disease. While the genotype-phenotype correlation is unestablished, missense variants causing autosomal dominant inheritance are rare and are not localised to a specific protein region (OMIM). (I) 0200 - Variant is predicted to result in a missense amino acid change from glycine to valine. (I) 0251 - This variant is heterozygous. (I) 0304 - Variant is present in gnomAD (v2) <0.01 (58 heterozygotes, 0 homozygotes). (SP) 0309 - An alternative amino acid change at the same position has been observed in gnomAD (v2) (3 heterozygotes, 0 homozygotes). (I) 0501 - Missense variant consistently predicted to be damaging by multiple in silico tools or highly conserved with a major amino acid change. (SP) 0600 - Variant is located in the annotated MyTH4 domain (DECIPHER). (I) 0708 - Another missense variant comparable to the one identified in this case has conflicting previous evidence for pathogenicity. This alternative change (p.(Gly1159Ser)) has been reported as a VUS (ClinVar) and as pathogenic, and has been observed in an individual with hearing loss (PMID: 25587757). (I) 0801 - This variant has strong previous evidence of pathogenicity in unrelated individuals. This variant has been reported many times as pathogenic and likely pathogenic, and observed in multiple compound heterozygous individuals with deafness, Usher syndrome and/or retinitis pigmentosa (ClinVar,, PMID: 32795431, PMID: 31152317). (SP) 1208 - Inheritance information for this variant is not currently available in this individual. (I) Legend: (SP) - Supporting pathogenic, (I) - Information, (SB) - Supporting benign

Department of Pathology and Laboratory Medicine, Sinai Health System
Classification: Pathogenic for Autosomal dominant nonsyndromic hearing loss 11; Autosomal recessive nonsyndromic hearing loss 2; Usher syndrome type 1. Last evaluated: 2023-06-15. Review status: criteria provided, single submitter. Criteria: ACMG Guidelines, 2015. Collection method: research. Allele origin: germline.

Institute of Human Genetics, Univ. Regensburg, Univ. Regensburg
Classification: Likely pathogenic for Retinal dystrophy. Last evaluated: 2023-01-01. Review status: criteria provided, single submitter. Criteria: ACMG Guidelines, 2015. Collection method: clinical testing. Allele origin: germline. Affected: yes.

Knight Diagnostic Laboratories, Oregon Health and Sciences University
Classification: Likely pathogenic for Hearing loss. Last evaluated: 2019-08-15. Review status: criteria provided, single submitter. Criteria: ACMG Guidelines, 2015. Collection method: clinical testing. Allele origin: germline. Observed: 1 variant allele.

Eurofins Ntd Llc (ga)
Classification: Pathogenic. Last evaluated: 2017-02-09. Review status: criteria provided, single submitter. Criteria: EGL Classification Definitions 2015. Collection method: clinical testing. Allele origin: germline. Observed: 1 variant allele, 1 heterozygote.

Laboratory for Molecular Medicine, Mass General Brigham Personalized Medicine
Classification: Likely pathogenic for Rare genetic deafness. Last evaluated: 2016-10-13. Review status: criteria provided, single submitter. Criteria: LMM Criteria. Collection method: clinical testing. Allele origin: germline. Inheritance: Autosomal recessive inheritance. Observed: 11 variant alleles.
Comment: The p.Gly1159Val variant in MYO7A has been reported in 9 individuals with hearin g loss (Roux 2011, Schrauwen 2013, LMM data). Four of these individuals were co mpound heterozygous with a second pathogenic or likely pathogenic MYO7A variant, with no indication of retinitis pigmentosa associated with Usher syndrome. This variant has been identified in 12/30732 (0.04%) of European c hromosomes by the Exome Aggregation Consortium (ExAC .org; dbSNP rs199897298); however, this frequency is low enough to be consistent with a recessive carrier frequency. Computational prediction tools and conserva tion analysis suggest that this variant may impact the protein, though this info rmation is not predictive enough to determine pathogenicity. In summary, althoug h additional studies are required to fully establish its clinical significance, this variant is likely pathogenic for autosomal recessive hearing loss. However, it cannot be determined whether this variant causes type 1 Usher syndrome, atyp ical Usher syndrome, or nonsyndromic hearing loss without additional information .

Zotz-Klimas Genetics Lab, MVZ Zotz Klimas
Classification: Likely pathogenic for Autosomal recessive nonsyndromic hearing loss 2. Last evaluated: 2023-10-30. Review status: no assertion criteria provided. Collection method: clinical testing. Allele origin: germline. Affected: yes. Not counted in ClinVar's aggregate classification.

Counsyl
Classification: Likely pathogenic for Autosomal recessive nonsyndromic hearing loss 2. Last evaluated: 2017-01-04. Review status: no assertion criteria provided. Collection method: clinical testing. Allele origin: unknown. Not counted in ClinVar's aggregate classification.

Clinical Genetics DNA and cytogenetics Diagnostics Lab, Erasmus MC, Erasmus Medical Center
Classification: Likely pathogenic. Review status: no assertion criteria provided. Collection method: clinical testing. Allele origin: germline. Affected: yes. Study: VKGL Data-share Consensus. Not counted in ClinVar's aggregate classification.

Joint Genome Diagnostic Labs from Nijmegen and Maastricht, Radboudumc and MUMC+
Classification: Likely pathogenic. Review status: no assertion criteria provided. Collection method: clinical testing. Allele origin: germline. Affected: yes. Study: VKGL Data-share Consensus. Not counted in ClinVar's aggregate classification.

Literature cited by the submitters: PubMed 21436283 (cited by 6 submitters); PubMed 23208854 (cited by 6 submitters); PubMed 26969326 (cited by 3 submitters); PubMed 27068579 (cited by 3 submitters); PubMed 27160483 (cited by Natera, Inc. and Counsyl); PubMed 31152317 (cited by 3 submitters); PubMed 28000701 (cited by Women's Health and Genetics/Laboratory Corporation of America, LabCorp); PubMed 32795431 (cited by 3 submitters); PubMed 38219857 (cited by Women's Health and Genetics/Laboratory Corporation of America, LabCorp); PubMed 23383098 (cited by Victorian Clinical Genetics Services, Murdoch Childrens Research Institute); PubMed 25587757 (cited by Victorian Clinical Genetics Services, Murdoch Childrens Research Institute); PubMed 30245029 (cited by Institute of Human Genetics, Univ. Regensburg, Univ. Regensburg); PubMed 31589614 (cited by Institute of Human Genetics, Univ. Regensburg, Univ. Regensburg); PubMed 31964843 (cited by Institute of Human Genetics, Univ. Regensburg, Univ. Regensburg); PubMed 26486028 (cited by Counsyl).